The following is an entry in ClinVar:

NM_015999.6(ADIPOR1):c.835G>A (p.Val279Ile)

Gene: ADIPOR1 (adiponectin receptor 1; minus strand). Cytogenetic location: 1q32.1.
Variant type: single nucleotide variant.
Coding change: c.835G>A on transcript NM_015999.6 (MANE Select); coding-DNA position 835, G replaced by A.
Protein change: p.Val279Ile; replaces valine 279 with isoleucine.
Molecular consequence: missense variant.
Genome position (GRCh38, 1-based): chr1:202,942,189, C>T on the plus strand (G>A on the coding strand, the complement: ADIPOR1 is on the minus strand). VCF-style: chr1-202942189-C-T. GRCh37 (hg19) VCF-style: chr1-202911317-C-T.
Other names: c.835G>A, p.Val279Ile (NM_001290553.2, NM_001290557.1, NM_001290629.1); short protein forms V279I.
Identifiers: ClinVar variation 841669 (VCV000841669.7), dbSNP rs372159963, ClinGen allele CA1335870.
Genomic context (GRCh38, chr1:202,942,189, plus strand): 5'-GGCCCACTGTGGTGGCCTTGACAAAGCCCTCAGCGATAGTAAAGTGCATGGTGGGCACGA[C>T]GCCACTCAAGCCAAGTCCCAGGAACACGCCTGAACAGAACAGACATAAGACTGTCAAACA-3'
Protein context (NP_057083.2, residues 269-289): GVFLGLGLSG[Val279Ile]VPTMHFTIAE

ClinVar aggregate classification (germline): Uncertain significance (1 of 4 stars; one submission).

Allele frequency attached by ClinVar (database versions not stated): gnomAD 0.00007 and 0.00009; TOPMed 0.00007; ESP Exome Variant Server 0.00008; gnomAD exomes 0.00008; ExAC 0.00012.
gnomAD v4.1: 61 of 1,613,932 alleles (0.0038%); highest among the groups gnomAD compares: Admixed American, 0.027%; no homozygotes.

Submission:

Labcorp Genetics (formerly Invitae), Labcorp
Classification: Uncertain significance. Last evaluated: 2025-10-25. Review status: criteria provided, single submitter. Criteria: Invitae Variant Classification Sherloc (09022015). Collection method: clinical testing. Allele origin: germline.
Comment: This sequence change replaces valine, which is neutral and non-polar, with isoleucine, which is neutral and non-polar, at codon 279 of the ADIPOR1 protein (p.Val279Ile). This variant is present in population databases (rs372159963, gnomAD 0.03%), and has an allele count higher than expected for a pathogenic variant. This variant has not been reported in the literature in individuals affected with ADIPOR1-related conditions. ClinVar contains an entry for this variant (Variation ID: 841669). An algorithm developed to predict the effect of missense changes on protein structure and function (PolyPhen-2) suggests that this variant is likely to be tolerated. In summary, the available evidence is currently insufficient to determine the role of this variant in disease. Therefore, it has been classified as a Variant of Uncertain Significance.